The following is an entry in ClinVar:

ClinVar aggregate classification (germline): Uncertain significance (1 of 4 stars; one submission).

Conditions:
Immunodeficiency, common variable, 2 (CVID2). Also called: ANTIBODY DEFICIENCY DUE TO TACI DEFECT; HYPOGAMMAGLOBULINEMIA DUE TO TACI DEFICIENCY. Identifiers: Orphanet 1572, MedGen C3150354, MONDO:0009413, OMIM 240500.

Allele frequency attached by ClinVar (database versions not stated): gnomAD exomes below 0.00001.
gnomAD v4.1: 1 of 1,613,642 alleles (0.000062%); highest among the groups gnomAD compares: Non-Finnish European, 0.000085%; no homozygotes.

Submission:

Breda Genetics srl
Classification: Uncertain significance for Immunodeficiency, common variable, 2. Last evaluated: 2018-12-13. Review status: criteria provided, single submitter. Criteria: ACMG Guidelines, 2015. Collection method: clinical testing. Allele origin: germline. Inheritance: Autosomal dominant inheritance. Affected: yes. Observed: 1 variant allele, 1 heterozygote.
Comment: The variant c.476A>T (p.Gln159Leu) in the TNFRSF13B gene has not been reported in dbSNP, gnomAD, 1000 Genomes, NHLI Exome Sequencing Project (ESP) or ClinVar. The nucleotide position is moderately conserved across 35 mammalian species (GERP RS: 3.43). In silico analysis gives inconsistent results. Based on ACMG variant interpretation guidelines, we classify this variant as uncertain. However, there is a given likelihood that the variant may actually be pathogenic, even if we cannot exclude that it is a rare benign variant.

NM_012452.3(TNFRSF13B):c.476A>T (p.Gln159Leu)

Gene: TNFRSF13B (TNF receptor superfamily member 13B; minus strand). Cytogenetic location: 17p11.2.
Variant type: single nucleotide variant.
Coding change: c.476A>T on transcript NM_012452.3 (MANE Select); coding-DNA position 476, A replaced by T.
Protein change: p.Gln159Leu; replaces glutamine 159 with leucine.
Molecular consequence: missense variant.
Genome position (GRCh38, 1-based): chr17:16,940,481, T>A on the plus strand (A>T on the coding strand, the complement: TNFRSF13B is on the minus strand). VCF-style: chr17-16940481-T-A. GRCh37 (hg19) VCF-style: chr17-16843795-T-A.
Other names: short protein forms Q159L.
Identifiers: ClinVar variation 1048559 (VCV001048559.2), dbSNP rs2143642404, ClinGen allele CA398519666.